The following is an entry in ClinVar:

ClinVar aggregate classification (germline): Uncertain significance (1 of 4 stars; one submission).

gnomAD v4.1: 4 of 1,548,628 alleles (0.00026%); highest among the groups gnomAD compares: Non-Finnish European, 0.00026%; no homozygotes.

Submission:

Labcorp Genetics (formerly Invitae), Labcorp
Classification: Uncertain significance. Last evaluated: 2022-09-13. Review status: criteria provided, single submitter. Criteria: Invitae Variant Classification Sherloc (09022015). Collection method: clinical testing. Allele origin: germline.
Comment: This sequence change replaces proline, which is neutral and non-polar, with threonine, which is neutral and polar, at codon 44 of the GNPTG protein (p.Pro44Thr). This variant is not present in population databases (gnomAD no frequency). This variant has not been reported in the literature in individuals affected with GNPTG-related conditions. Advanced modeling of protein sequence and biophysical properties (such as structural, functional, and spatial information, amino acid conservation, physicochemical variation, residue mobility, and thermodynamic stability) performed at Invitae indicates that this missense variant is not expected to disrupt GNPTG protein function. In summary, the available evidence is currently insufficient to determine the role of this variant in disease. Therefore, it has been classified as a Variant of Uncertain Significance.

NM_032520.5(GNPTG):c.130C>A (p.Pro44Thr)

Gene: GNPTG (N-acetylglucosamine-1-phosphate transferase subunit gamma; plus strand). Cytogenetic location: 16p13.3.
Variant type: single nucleotide variant.
Coding change: c.130C>A on transcript NM_032520.5 (MANE Select); coding-DNA position 130, C replaced by A.
Protein change: p.Pro44Thr; replaces proline 44 with threonine.
Molecular consequence: missense variant.
Genome position (GRCh38, 1-based): chr16:1,352,258, C>A. VCF-style: chr16-1352258-C-A. GRCh37 (hg19) VCF-style: chr16-1402259-C-A.
Other names: short protein forms P44T.
Identifiers: ClinVar variation 2170170 (VCV002170170.1), dbSNP rs771564346, ClinGen allele CA276642927.